The following is an entry in ClinVar:

NM_018972.4(GDAP1):c.55A>G (p.Lys19Glu)

Genes: GDAP1 (ganglioside induced differentiation associated protein 1; plus strand), LOC130000622 (ATAC-STARR-seq lymphoblastoid active region 27542; plus strand). Cytogenetic location: 8q21.11.
Variant type: single nucleotide variant.
Coding change: c.55A>G on transcript NM_018972.4 (MANE Select); coding-DNA position 55, A replaced by G.
Protein change: p.Lys19Glu; replaces lysine 19 with glutamic acid.
Molecular consequence: missense variant. On other transcripts: 5 prime UTR variant (2), intron variant (1).
Genome position (GRCh38, 1-based): chr8:74,350,516, A>G. VCF-style: chr8-74350516-A-G. GRCh37 (hg19) VCF-style: chr8-75262751-A-G.
Other names: c.-128A>G (NM_001362929.2); c.55A>G, p.Lys19Glu (NM_001362930.2, NM_001362931.2); c.-80A>G (NM_001362932.2); c.-64+44A>G (NM_001040875.4); short protein forms K19E.
Identifiers: ClinVar variation 1748547 (VCV001748547.6), dbSNP rs1300726621, ClinGen allele CA371499077.

ClinVar aggregate classification (germline): Uncertain significance. Review status: criteria provided, multiple submitters, no conflicts (2 of 4 stars). 3 submissions from 3 submitters: Uncertain significance (3). Last evaluated 2023-10-05.

Conditions:
Inborn genetic diseases. Identifiers: MedGen C0950123, MeSH D030342.
Charcot-Marie-Tooth disease type 4A. Also called: Charcot-Marie-Tooth disease, demyelinating, autosomal recessive, type 4a. Identifiers: Orphanet 99948, MedGen C1859198, MONDO:0008961, OMIM 214400.

Allele frequency attached by ClinVar (database versions not stated): TOPMed below 0.00001; gnomAD 0.00001; gnomAD exomes 0.00001.

Submissions (3):

Labcorp Genetics (formerly Invitae), Labcorp
Classification: Uncertain significance for Charcot-Marie-Tooth disease type 4A. Last evaluated: 2023-10-05. Review status: criteria provided, single submitter. Criteria: Invitae Variant Classification Sherloc (09022015). Collection method: clinical testing. Allele origin: germline.
Comment: This sequence change replaces lysine, which is basic and polar, with glutamic acid, which is acidic and polar, at codon 19 of the GDAP1 protein (p.Lys19Glu). This variant is not present in population databases (gnomAD no frequency). This variant has not been reported in the literature in individuals affected with GDAP1-related conditions. ClinVar contains an entry for this variant (Variation ID: 1748547). Advanced modeling of protein sequence and biophysical properties (such as structural, functional, and spatial information, amino acid conservation, physicochemical variation, residue mobility, and thermodynamic stability) performed at Invitae indicates that this missense variant is not expected to disrupt GDAP1 protein function. In summary, the available evidence is currently insufficient to determine the role of this variant in disease. Therefore, it has been classified as a Variant of Uncertain Significance.

GeneDx
Classification: Uncertain significance. Last evaluated: 2023-03-06. Review status: criteria provided, single submitter. Criteria: GeneDx Variant Classification Process June 2021. Collection method: clinical testing. Allele origin: germline. Affected: yes.
Comment: Not observed at significant frequency in large population cohorts (gnomAD); In silico analysis supports that this missense variant does not alter protein structure/function; Has not been previously published as pathogenic or benign to our knowledge

Ambry Genetics
Classification: Uncertain significance for Inborn genetic diseases. Last evaluated: 2019-09-26. Review status: criteria provided, single submitter. Criteria: Ambry Variant Classification Scheme 2023. Collection method: clinical testing. Allele origin: germline.
Comment: The p.K19E variant (also known as c.55A>G), located in coding exon 1 of the GDAP1 gene, results from an A to G substitution at nucleotide position 55. The lysine at codon 19 is replaced by glutamic acid, an amino acid with similar properties. This amino acid position is poorly conserved in available vertebrate species. In addition, this alteration is predicted to be tolerated by in silico analysis. Since supporting evidence is limited at this time, the clinical significance of this alteration remains unclear.